The following is an entry in ClinVar:

NM_001184880.2(PCDH19):c.369C>G (p.Asn123Lys)

Gene: PCDH19 (protocadherin 19; minus strand). Cytogenetic location: Xq22.1.
Variant type: single nucleotide variant.
Coding change: c.369C>G on transcript NM_001184880.2 (MANE Select); coding-DNA position 369, C replaced by G.
Protein change: p.Asn123Lys; replaces asparagine 123 with lysine.
Molecular consequence: missense variant.
Genome position (GRCh38, 1-based): chrX:100,408,229, G>C on the plus strand (C>G on the coding strand, the complement: PCDH19 is on the minus strand). VCF-style: chrX-100408229-G-C. GRCh37 (hg19) VCF-style: chrX-99663227-G-C.
Other names: c.369C>G, p.Asn123Lys (NM_001105243.2, NM_020766.3); short protein forms N123K.
Identifiers: ClinVar variation 429767 (VCV000429767.8), dbSNP rs796052796, ClinGen allele CA414010286.

ClinVar aggregate classification (germline): Pathogenic/Likely pathogenic. Review status: criteria provided, multiple submitters, no conflicts (2 of 4 stars). 3 submissions from 3 submitters: Pathogenic (2); Likely pathogenic (1). Last evaluated 2024-11-25.

Conditions:
Seizure. Also called: Seizures. Identifiers: MedGen C0036572, HP:0001250.
Developmental and epileptic encephalopathy, 9 (DEE9). Also called: Early infantile epileptic encephalopathy 9; EPILEPSY, FEMALE-RESTRICTED, WITH MENTAL RETARDATION; PCDH19-Related X-Linked Female-Limited Epilepsy with Mental Retardation; JUBERG-HELLMAN SYNDROME. Identifiers: Orphanet 101039, Orphanet 2076, MedGen C1848137, MONDO:0010246, OMIM 300088. Disease mechanism: loss of function.

Submissions (3):

Cytogénomique, Hospices Civils de Lyon
Classification: Pathogenic for Seizure. Last evaluated: 2024-11-25. Review status: criteria provided, single submitter. Criteria: ACMG Guidelines, 2015. Collection method: clinical testing. Allele origin: unknown. Affected: yes.

Labcorp Genetics (formerly Invitae), Labcorp
Classification: Pathogenic for Developmental and epileptic encephalopathy, 9. Last evaluated: 2022-09-12. Review status: criteria provided, single submitter. Criteria: Invitae Variant Classification Sherloc (09022015). Collection method: clinical testing. Allele origin: germline.
Comment: Advanced modeling of protein sequence and biophysical properties (such as structural, functional, and spatial information, amino acid conservation, physicochemical variation, residue mobility, and thermodynamic stability) performed at Invitae indicates that this missense variant is expected to disrupt PCDH19 protein function. For these reasons, this variant has been classified as Pathogenic. ClinVar contains an entry for this variant (Variation ID: 429767). This missense change has been observed in individual(s) with clinical features of PCDH19-related conditions (PMID: 29655203; Invitae). In at least one individual the variant was observed to be de novo. This variant is not present in population databases (gnomAD no frequency). This sequence change replaces asparagine, which is neutral and polar, with lysine, which is basic and polar, at codon 123 of the PCDH19 protein (p.Asn123Lys).

GeneDx
Classification: Likely pathogenic. Last evaluated: 2015-09-11. Review status: criteria provided, single submitter. Criteria: GeneDx Variant Classification (06012015). Collection method: clinical testing. Allele origin: germline. Affected: yes.
Comment: The N123K variant has not been published as a pathogenic variant, nor has it been reported as a benign polymorphism to our knowledge. It was not observed in approximately 6,400 individuals of European and African American ancestry in the NHLBI Exome Sequencing Project, indicating it is not a common benign variant in these populations. The N123K variant is a semi-conservative amino acid substitution, which may impact secondary protein structure as these residues differ in some properties. This substitution occurs at a position that is conserved across species, and in silico analysis predicts this variant is probably damaging to the protein structure/function. Additionally, a missense variant in a nearby residue (D121N) have been reported in the Human Gene Mutation Database in association with epileptic encephalopathy (Stenson et al., 2014). Therefore, the N123K variant is a strong candidate for a pathogenic variant, however the possibility that it is a benign variant cannot be excluded.

Literature cited by the submitters: PubMed 29655203 (cited by Labcorp Genetics (formerly Invitae), Labcorp).